The following is an entry in ClinVar:

NM_152383.5(DIS3L2):c.1740-3C>T

Gene: DIS3L2 (DIS3 like 3'-5' exoribonuclease 2; plus strand). Cytogenetic location: 2q37.1.
Variant type: single nucleotide variant.
Coding change: c.1740-3C>T on transcript NM_152383.5 (MANE Select); 3 bases into the intron before coding-DNA position 1740, C replaced by T.
Molecular consequence: intron variant.
Genome position (GRCh38, 1-based): chr2:232,329,810, C>T. VCF-style: chr2-232329810-C-T. GRCh37 (hg19) VCF-style: chr2-233194520-C-T.
Other names: c.1582-13535C>T (NM_001257281.2).
Identifiers: ClinVar variation 463072 (VCV000463072.6), dbSNP rs1553550742, ClinGen allele CA658657252.

ClinVar aggregate classification (germline): Uncertain significance (1 of 4 stars; one submission).

Conditions:
Perlman syndrome (PRLMNS). Identifiers: Orphanet 2849, MedGen C0796113, MONDO:0009965, OMIM 267000.

Submission:

Labcorp Genetics (formerly Invitae), Labcorp
Classification: Uncertain significance for Perlman syndrome. Last evaluated: 2021-09-01. Review status: criteria provided, single submitter. Criteria: Invitae Variant Classification Sherloc (09022015). Collection method: clinical testing. Allele origin: germline.
Comment: This sequence change falls in intron 14 of the DIS3L2 gene. It does not directly change the encoded amino acid sequence of the DIS3L2 protein. It affects a nucleotide within the consensus splice site of the intron. The frequency data for this variant in the population databases is considered unreliable, as metrics indicate insufficient coverage at this position in the ExAC database. This variant has not been reported in the literature in individuals affected with DIS3L2-related conditions. ClinVar contains an entry for this variant (Variation ID: 463072). Variants that disrupt the consensus splice site are a relatively common cause of aberrant splicing (PMID: 17576681, 9536098). Algorithms developed to predict the effect of sequence changes on RNA splicing suggest that this variant is not likely to affect RNA splicing. In summary, the available evidence is currently insufficient to determine the role of this variant in disease. Therefore, it has been classified as a Variant of Uncertain Significance.

Literature cited by the submitters: PubMed 17576681; PubMed 9536098.